The following is an entry in ClinVar:

ClinVar aggregate classification (germline): Conflicting classifications of pathogenicity. Review status: criteria provided, conflicting classifications (1 of 4 stars). 8 submissions from 8 submitters: Pathogenic (1); Likely pathogenic (3); Uncertain significance (3). 1 of the submissions does not count toward it. Last evaluated 2025-07-24.

Conditions:
PTPN11-related disorder. Also called: PTPN11-Related Disorders.
RASopathy. Also called: rasopathies; Noonan spectrum disorder. Identifiers: Orphanet 536391, MedGen C5555857, MONDO:0021060.
LEOPARD syndrome 1 (LPRD1). Also called: LENTIGINOSIS, CARDIOMYOPATHIC; MULTIPLE LENTIGINES SYNDROME; PTPN11-Related LEOPARD Syndrome. Identifiers: Orphanet 500, MedGen C4551484, MONDO:0100082, OMIM 151100.
Proportionate short stature. Identifiers: MedGen C0878660, HP:0003508.
Noonan syndrome (NS). Also called: Noonan's syndrome. Identifiers: Orphanet 648, MedGen C0028326, MeSH D009634, MONDO:0018997. Disease mechanism: gain of function.
Noonan syndrome 1 (NS1). Also called: FEMALE PSEUDO-TURNER SYNDROME; TURNER PHENOTYPE WITH NORMAL KARYOTYPE; PTPN11-Related Noonan Syndrome. Identifiers: Orphanet 648, MedGen C4551602, MONDO:0008104, OMIM 163950. Disease mechanism: gain of function.
Cardiovascular phenotype. Identifiers: MedGen CN230736.

Submissions (8):

Ambry Genetics
Classification: Uncertain significance for Cardiovascular phenotype. Last evaluated: 2025-07-24. Review status: criteria provided, single submitter. Criteria: Ambry Variant Classification Scheme 2023. Collection method: clinical testing. Allele origin: germline.
Comment: The c.663A>G (p.I221M) alteration is located in exon 6 (coding exon 6) of the PTPN11 gene. This alteration results from a A to G substitution at nucleotide position 663, causing the isoleucine (I) at amino acid position 221 to be replaced by a methionine (M). This variant was not reported in population-based cohorts in the Genome Aggregation Database (gnomAD). This variant was reported in individuals with features consistent with PTPN11-related RASopathy; in at least one individual, it was determined to be de novo (Andrade, 2022; Shoji, 2024). This amino acid position is highly conserved in available vertebrate species. This alteration is predicted to be deleterious by in silico analysis. Based on insufficient or conflicting evidence, the clinical significance of this alteration remains unclear.

Labcorp Genetics (formerly Invitae), Labcorp
Classification: Uncertain significance for RASopathy. Last evaluated: 2025-03-11. Review status: criteria provided, single submitter. Criteria: Invitae Variant Classification Sherloc (09022015). Collection method: clinical testing. Allele origin: germline.
Comment: This sequence change replaces isoleucine, which is neutral and non-polar, with methionine, which is neutral and non-polar, at codon 221 of the PTPN11 protein (p.Ile221Met). This variant is not present in population databases (gnomAD no frequency). This missense change has been observed in individual(s) with isolated short stature (PMID: 36373817). ClinVar contains an entry for this variant (Variation ID: 981584). Invitae Evidence Modeling of protein sequence and biophysical properties (such as structural, functional, and spatial information, amino acid conservation, physicochemical variation, residue mobility, and thermodynamic stability) has been performed for this missense variant. However, the output from this modeling did not meet the statistical confidence thresholds required to predict the impact of this variant on PTPN11 protein function. In summary, the available evidence is currently insufficient to determine the role of this variant in disease. Therefore, it has been classified as a Variant of Uncertain Significance.

Institute for Genomic Medicine (IGM) Clinical Laboratory, Nationwide Children's Hospital
Classification: Uncertain significance for Noonan syndrome 1. Last evaluated: 2024-03-26. Review status: criteria provided, single submitter. Criteria: ACMG Guidelines, 2015. Collection method: clinical testing. Allele origin: germline.
Comment: This variant has been reported at an elevated frequency in affected individuals/in multiple affected individuals in the literature (ACMG/AMP: PS4_Supporting). This variant is absent from or present at an exceedingly low frequency in gnomAD, a large-scale control population database (ACMG/AMP: PM2). This variant occurs in a gene with a low rate of benign missense variation, in which missense alterations are a common mechanism of disease (ACMG/AMP: PP2).

3billion
Classification: Likely pathogenic for Noonan syndrome 1. Last evaluated: 2023-02-23. Review status: criteria provided, single submitter. Criteria: ACMG Guidelines, 2015. Collection method: clinical testing. Allele origin: unknown. Affected: yes.
Comment: The variant is not observed in the gnomAD v2.1.1 dataset. Missense changes are a common disease-causing mechanism. In silico tool predictions suggest damaging effect of the variant on gene or gene product (REVEL: 0.70; 3Cnet: 0.88). Same nucleotide change resulting in same amino acid change has been previously reported as pathogenic/likely pathogenic with strong evidence (ClinVar ID: VCV000981584). A different missense change at the same codon (p.Ile221Val) has been reported to be associated with PTPN11-related disorder (ClinVar ID: VCV000181498 / PMID: 24451042). Therefore, this variant is classified as Likely pathogenic according to the recommendation of ACMG/AMP guideline.

Blueprint Genetics
Classification: Likely pathogenic for PTPN11-related disorders. Last evaluated: 2022-11-14. Review status: criteria provided, single submitter. Criteria: ACMG Guidelines, 2015. Collection method: clinical testing. Allele origin: germline. Affected: yes. Observed: 3 variant alleles.

Mendelics
Classification: Pathogenic for LEOPARD syndrome 1. Last evaluated: 2022-05-04. Review status: criteria provided, single submitter. Criteria: Mendelics Assertion Criteria 2019. Collection method: clinical testing. Allele origin: germline.

Genetic Endocrinology Unit / Unidade de Endocrinologia Genetica - LIM25, Universidade de Sao Paulo (USP)
Classification: Likely pathogenic for Proportionate short stature. Last evaluated: 2021-11-17. Review status: criteria provided, single submitter. Criteria: ACMG Guidelines, 2015. Collection method: clinical testing. Allele origin: de novo. Inheritance: Autosomal dominant inheritance. Affected: yes. Observed: 1 heterozygote.
Comment: De novo heterozygous variant, in a conserved region in a gene with few variants, absent in public databases: PM1, PM2, PM5, PM6, PP2, PP3

Service de Génétique Moléculaire, Hôpital Robert Debré
Classification: Uncertain significance for Noonan syndrome. Review status: no assertion criteria provided. Collection method: clinical testing. Allele origin: maternal. Affected: yes. Not counted in ClinVar's aggregate classification.

Literature cited by the submitters: PubMed 36373817 (cited by Ambry Genetics and Labcorp Genetics (formerly Invitae), Labcorp); PubMed 38572385 (cited by Ambry Genetics); PubMed 24451042 (cited by 3billion).

NM_002834.5(PTPN11):c.663A>G (p.Ile221Met)

Gene: PTPN11 (protein tyrosine phosphatase non-receptor type 11; plus strand). Cytogenetic location: 12q24.13.
Variant type: single nucleotide variant.
Coding change: c.663A>G on transcript NM_002834.5 (MANE Select); coding-DNA position 663, A replaced by G.
Protein change: p.Ile221Met; replaces isoleucine 221 with methionine.
Molecular consequence: missense variant.
Genome position (GRCh38, 1-based): chr12:112,455,970, A>G. VCF-style: chr12-112455970-A-G. GRCh37 (hg19) VCF-style: chr12-112893774-A-G.
Other names: c.663A>G, p.Ile221Met (NM_001330437.2, NM_080601.3); c.660A>G, p.Ile220Met (NM_001374625.1); c.663A>G (NM_002834.3); short protein forms I220M, I221M.
Identifiers: ClinVar variation 981584 (VCV000981584.10), dbSNP rs2540425440, ClinGen allele CA386783960.